The following is an entry in ClinVar:

NM_024675.4(PALB2):c.2836G>A (p.Ala946Thr)

Gene: PALB2 (partner and localizer of BRCA2; minus strand). Cytogenetic location: 16p12.2.
Variant type: single nucleotide variant.
Coding change: c.2836G>A on transcript NM_024675.4 (MANE Select); coding-DNA position 2836, G replaced by A.
Protein change: p.Ala946Thr; replaces alanine 946 with threonine.
Molecular consequence: missense variant.
Genome position (GRCh38, 1-based): chr16:23,623,129, C>T on the plus strand (G>A on the coding strand, the complement: PALB2 is on the minus strand). VCF-style: chr16-23623129-C-T. GRCh37 (hg19) VCF-style: chr16-23634450-C-T.
Other names: short protein forms A946T.
Identifiers: ClinVar variation 421893 (VCV000421893.12), dbSNP rs878855113, ClinGen allele CA16620124.

ClinVar aggregate classification (germline): Conflicting classifications of pathogenicity. Review status: criteria provided, conflicting classifications (1 of 4 stars). 3 submissions from 3 submitters: Uncertain significance (2); Likely benign (1). Last evaluated 2024-07-12.

Conditions:
Hereditary cancer-predisposing syndrome. Also called: Hereditary neoplastic syndrome; Neoplastic Syndromes, Hereditary; Tumor predisposition; Hereditary Cancer Syndrome. Identifiers: Orphanet 140162, MedGen C0027672, MeSH D009386, MONDO:0015356.
Familial cancer of breast. Also called: Hereditary breast cancer; BREAST CANCER, FAMILIAL; hereditary breast carcinoma. Identifiers: Orphanet 227535, MedGen C0346153, MONDO:0016419, OMIM 114480. Disease mechanism: loss of function.

Submissions (3):

Ambry Genetics
Classification: Likely benign for Hereditary cancer-predisposing syndrome. Last evaluated: 2024-07-12. Review status: criteria provided, single submitter. Criteria: Ambry Variant Classification Scheme 2023. Collection method: clinical testing. Allele origin: germline.

Labcorp Genetics (formerly Invitae), Labcorp
Classification: Uncertain significance for Familial cancer of breast. Last evaluated: 2020-07-29. Review status: criteria provided, single submitter. Criteria: Invitae Variant Classification Sherloc (09022015). Collection method: clinical testing. Allele origin: germline.
Comment: In summary, the available evidence is currently insufficient to determine the role of this variant in disease. Therefore, it has been classified as a Variant of Uncertain Significance. Algorithms developed to predict the effect of missense changes on protein structure and function (SIFT, PolyPhen-2, Align-GVGD) all suggest that this variant is likely to be tolerated, but these predictions have not been confirmed by published functional studies and their clinical significance is uncertain. This variant has not been reported in the literature in individuals with PALB2-related conditions. ClinVar contains an entry for this variant (Variation ID: 421893). This variant is not present in population databases (ExAC no frequency). This sequence change replaces alanine with threonine at codon 946 of the PALB2 protein (p.Ala946Thr). The alanine residue is moderately conserved and there is a small physicochemical difference between alanine and threonine.

GeneDx
Classification: Uncertain significance. Last evaluated: 2016-08-02. Review status: criteria provided, single submitter. Criteria: GeneDx Variant Classification (06012015). Collection method: clinical testing. Allele origin: germline. Affected: yes.
Comment: This variant is denoted PALB2 c.2836G>A at the cDNA level, p.Ala946Thr (A946T) at the protein level, and results in the change of an Alanine to a Threonine (GCA>ACA). This variant has not, to our knowledge, been published in the literature as pathogenic or benign. PALB2 Ala946Thr was not observed in approximately 6,500 individuals of European and African American ancestry in the NHLBI Exome Sequencing Project, suggesting it is not a common benign variant in these populations. Since Alanine and Threonine differ in polarity, charge, size or other properties, this is considered a non-conservative amino acid substitution. PALB2 Ala946Thr occurs at a position that is not conserved and is located in the region required for interaction with POLH and POLH DNA synthesis stimulation, region of interaction with RAD51, BRCA2 and POLH, and the WD2 repeat (UniProt). In silico analyses are inconsistent regarding the effect this variant may have on protein structure and function. Based on currently available evidence, it is unclear whether PALB2 Ala946Thr is a pathogenic or benign variant. We consider it to be a variant of uncertain significance.